The following is an entry in ClinVar:

NM_000218.3(KCNQ1):c.190_210del (p.Pro64_Pro70del)

Gene: KCNQ1 (potassium voltage-gated channel subfamily Q member 1; plus strand). Cytogenetic location: 11p15.5.
Variant type: Deletion.
Coding change: c.190_210del on transcript NM_000218.3 (MANE Select); coding-DNA positions 190 to 210, 21 bases deleted (CCTGCGTCCCCGGCCGCGCCC).
Protein change: p.Pro64_Pro70del.
Molecular consequence: inframe deletion.
Genome position (GRCh38, 1-based): chr11:2,445,288-2,445,308, CCTGCGTCCCCGGCCGCGCCC deleted; deleting any 21 consecutive bases within chr11:2,445,280-2,445,308 gives the same sequence; the c. name uses the placement nearest the transcript's 3' end. VCF-style (leftmost placement, unchanged base first): chr11-2445279-CCCGCGCCCCCTGCGTCCCCGG-C. GRCh37 (hg19) VCF-style: chr11-2466509-CCCGCGCCCCCTGCGTCCCCGG-C.
Identifiers: ClinVar variation 1001109 (VCV001001109.11), dbSNP rs1233039294, ClinGen allele CA658761311.

ClinVar aggregate classification (germline): Uncertain significance. Review status: criteria provided, multiple submitters, no conflicts (2 of 4 stars). 2 submissions from 2 submitters: Uncertain significance (2). Last evaluated 2025-09-27.

Conditions:
Long QT syndrome (LQTS). Identifiers: MedGen C0023976, MeSH D008133, MONDO:0002442. Disease mechanism: loss of function. Inheritance: Various modes of inheritance.

Submissions (2):

Labcorp Genetics (formerly Invitae), Labcorp
Classification: Uncertain significance for Long QT syndrome. Last evaluated: 2025-09-27. Review status: criteria provided, single submitter. Criteria: Invitae Variant Classification Sherloc (09022015). Collection method: clinical testing. Allele origin: germline.
Comment: This variant, c.190_210del, results in the deletion of 7 amino acid(s) of the KCNQ1 protein (p.Pro64_Pro70del), but otherwise preserves the integrity of the reading frame. This variant is not present in population databases (gnomAD no frequency). This variant has been observed in individual(s) with clinical features of KCNQ1-related conditions (PMID: 19716085, 29582136). ClinVar contains an entry for this variant (Variation ID: 1001109). Algorithms developed to predict the effect of variants on gene product structure and function are not available or were not evaluated for this variant. Experimental studies have shown that this variant does not substantially affect KCNQ1 function (PMID: 29582136). In summary, the available evidence is currently insufficient to determine the role of this variant in disease. Therefore, it has been classified as a Variant of Uncertain Significance.

GeneDx
Classification: Uncertain significance. Last evaluated: 2020-09-24. Review status: criteria provided, single submitter. Criteria: GeneDx Variant Classification Process June 2021. Collection method: clinical testing. Allele origin: germline. Affected: yes.
Comment: Reported in several individuals referred for Long QT syndrome genetic testing and in a patient with unexplained cardiac arrest (Kapplinger et al., 2009; Chua et al., 2018); Not observed in large population cohorts (Lek et al., 2016); In silico analysis supports a deleterious effect on protein structure/function; In-frame deletion of seven amino acids in a non-repeat region; This variant is associated with the following publications: (PMID: 29582136, 19716085)

Literature cited by the submitters: PubMed 19716085 (cited by Labcorp Genetics (formerly Invitae), Labcorp); PubMed 29582136 (cited by Labcorp Genetics (formerly Invitae), Labcorp).